The following is an entry in ClinVar:

NM_001199799.2(ILDR1):c.885C>A (p.Asn295Lys)

Gene: ILDR1 (immunoglobulin like domain containing receptor 1; minus strand). Cytogenetic location: 3q13.33.
Variant type: single nucleotide variant.
Coding change: c.885C>A on transcript NM_001199799.2 (MANE Select); coding-DNA position 885, C replaced by A.
Protein change: p.Asn295Lys; replaces asparagine 295 with lysine.
Molecular consequence: missense variant.
Genome position (GRCh38, 1-based): chr3:121,993,864, G>T on the plus strand (C>A on the coding strand, the complement: ILDR1 is on the minus strand). VCF-style: chr3-121993864-G-T. GRCh37 (hg19) VCF-style: chr3-121712711-G-T.
Other names: c.618C>A, p.Asn206Lys (NM_001199800.2); c.753C>A, p.Asn251Lys (NM_175924.4); short protein forms N295K, N206K, N251K.
Identifiers: ClinVar variation 3109475 (VCV003109475.2), dbSNP rs771867997, ClinGen allele CA2568797.
Genomic context (GRCh38, chr3:121,993,864, plus strand): 5'-GCTGCAGGGATGGCCAAATCTGCCTTTGAGGTCAGGGGGCAGAGGCTGGGCCAGGTTGAG[G>T]TTCCGCAGTTCTTTCTCCAAATACTCCAGGACACCATTGGCGATGGGAGGCTGATTGGTG-3'
Protein context (NP_001186728.1, residues 285-305): VLEYLEKELR[Asn295Lys]LNLAQPLPPD

ClinVar aggregate classification (germline): Uncertain significance. Review status: criteria provided, multiple submitters, no conflicts (2 of 4 stars). 2 submissions from 2 submitters: Uncertain significance (2). Last evaluated 2025-06-09.

Conditions:
ILDR1-related disorder. Also called: ILDR1-related condition.
Inborn genetic diseases. Identifiers: MedGen C0950123, MeSH D030342.

Allele frequency attached by ClinVar (database versions not stated): ExAC 0.00003; TOPMed 0.00003.

Submissions (2):

PreventionGenetics, part of Exact Sciences
Classification: Uncertain significance for ILDR1-related condition. Last evaluated: 2025-06-09. Review status: criteria provided, single submitter. Criteria: ACMG Guidelines, 2015. Collection method: clinical testing. Allele origin: germline.
Comment: The ILDR1 c.885C>A variant is predicted to result in the amino acid substitution p.Asn295Lys. To our knowledge, this variant has not been reported in the literature. This variant is reported in 0.0096% of alleles in individuals of Ashkenazi Jewish descent in gnomAD. At this time, the clinical significance of this variant is uncertain due to the absence of conclusive functional and genetic evidence.

Ambry Genetics
Classification: Uncertain significance for Inborn genetic diseases. Last evaluated: 2024-01-04. Review status: criteria provided, single submitter. Criteria: Ambry Variant Classification Scheme 2023. Collection method: clinical testing. Allele origin: germline.